The following is an entry in ClinVar:

ClinVar aggregate classification (germline): Uncertain significance. Review status: criteria provided, multiple submitters, no conflicts (2 of 4 stars). 2 submissions from 2 submitters: Uncertain significance (2). Last evaluated 2024-10-22.

Conditions:
Familial adenomatous polyposis 1 (FAP1). Also called: FAMILIAL ADENOMATOUS POLYPOSIS 1, ATTENUATED; POLYPOSIS, ADENOMATOUS INTESTINAL. Identifiers: MedGen C2713442, MONDO:0021056, OMIM 175100. Disease mechanism: loss of function.
Hereditary cancer-predisposing syndrome. Also called: Neoplastic Syndromes, Hereditary; Tumor predisposition; Hereditary Cancer Syndrome; Hereditary neoplastic syndrome. Identifiers: Orphanet 140162, MedGen C0027672, MeSH D009386, MONDO:0015356.

gnomAD v4.1: 1 of 1,614,138 alleles (0.000062%); highest among the groups gnomAD compares: Non-Finnish European, 0.000085%; no homozygotes.

Submissions (2):

Labcorp Genetics (formerly Invitae), Labcorp
Classification: Uncertain significance for Familial adenomatous polyposis 1. Last evaluated: 2024-10-22. Review status: criteria provided, single submitter. Criteria: Invitae Variant Classification Sherloc (09022015). Collection method: clinical testing. Allele origin: germline.
Comment: This sequence change replaces glycine, which is neutral and non-polar, with arginine, which is basic and polar, at codon 1288 of the APC protein (p.Gly1288Arg). This variant is present in population databases (rs765608881, gnomAD 0.0009%). This variant has not been reported in the literature in individuals affected with APC-related conditions. Invitae Evidence Modeling of protein sequence and biophysical properties (such as structural, functional, and spatial information, amino acid conservation, physicochemical variation, residue mobility, and thermodynamic stability) indicates that this missense variant is not expected to disrupt APC protein function with a negative predictive value of 95%. In summary, the available evidence is currently insufficient to determine the role of this variant in disease. Therefore, it has been classified as a Variant of Uncertain Significance.

Ambry Genetics
Classification: Uncertain significance for Hereditary cancer-predisposing syndrome. Last evaluated: 2024-09-15. Review status: criteria provided, single submitter. Criteria: Ambry Variant Classification Scheme 2023. Collection method: clinical testing. Allele origin: germline.
Comment: The p.G1288R variant (also known as c.3862G>A), located in coding exon 15 of the APC gene, results from a G to A substitution at nucleotide position 3862. The glycine at codon 1288 is replaced by arginine, an amino acid with dissimilar properties. This amino acid position is conserved. In addition, in silico predictors for this gene do not accurately predict pathogenicity. Based on the available evidence, the clinical significance of this variant remains unclear.

NM_000038.6(APC):c.3862G>A (p.Gly1288Arg)

Gene: APC (APC regulator of Wnt signaling pathway; plus strand). Cytogenetic location: 5q22.2.
Variant type: single nucleotide variant.
Coding change: c.3862G>A on transcript NM_000038.6 (MANE Select); coding-DNA position 3862, G replaced by A.
Protein change: p.Gly1288Arg; replaces glycine 1288 with arginine.
Molecular consequence: missense variant. On other transcripts: non-coding transcript variant (2).
Genome position (GRCh38, 1-based): chr5:112,839,456, G>A. VCF-style: chr5-112839456-G-A. GRCh37 (hg19) VCF-style: chr5-112175153-G-A.
Other names: c.3862G>A, p.Gly1288Arg (NM_001127510.3, NM_001354895.2, NM_001407450.1); c.3808G>A, p.Gly1270Arg (NM_001127511.3); c.3916G>A, p.Gly1306Arg (NM_001354896.2, NM_001407447.1, NM_001407448.1 and 1 more transcripts); c.3892G>A, p.Gly1298Arg (NM_001354897.2); c.3787G>A, p.Gly1263Arg (NM_001354898.2); c.3778G>A, p.Gly1260Arg (NM_001354899.2); c.3739G>A, p.Gly1247Arg (NM_001354900.2); c.3685G>A, p.Gly1229Arg (NM_001354901.2, NM_001407453.1); and 11 more; short protein forms G1005R, G1162R, G1187R, G1205R, G1229R, G1247R, G1263R, G1278R.
Identifiers: ClinVar variation 3411030 (VCV003411030.3).